The following is an entry in ClinVar:

ClinVar aggregate classification (germline): Uncertain significance. Review status: criteria provided, multiple submitters, no conflicts (2 of 4 stars). 4 submissions from 4 submitters: Uncertain significance (4). Last evaluated 2026-07-28.

Conditions:
S1PR2-related disorder. Also called: S1PR2-related condition.
Inborn genetic diseases. Identifiers: MedGen C0950123, MeSH D030342.

Allele frequency attached by ClinVar (database versions not stated): gnomAD 0.00001; gnomAD exomes 0.00001 and 0.00003; ExAC 0.00002.
gnomAD v4.1: 14 of 1,609,000 alleles (0.00087%); highest among the groups gnomAD compares: Admixed American, 0.022%; no homozygotes.

Submissions (4):

GeneDx
Classification: Uncertain significance. Last evaluated: 2026-07-28. Review status: criteria provided, single submitter. Criteria: GeneDx Variant Classification Process June 2021. Collection method: clinical testing. Allele origin: germline.
Comment: In silico analysis suggests that this missense variant does not alter protein structure/function; Has not been previously published as pathogenic or benign to our knowledge

PreventionGenetics, part of Exact Sciences
Classification: Uncertain significance for S1PR2-related condition. Last evaluated: 2026-05-27. Review status: criteria provided, single submitter. Criteria: ACMG Guidelines, 2015. Collection method: clinical testing. Allele origin: germline.
Comment: The S1PR2 c.934G>C variant is predicted to result in the amino acid substitution p.Val312Leu. To our knowledge, this variant has not been reported in the literature. This variant is reported in 0.021% of alleles in individuals of Latino descent in gnomAD. At this time, the clinical significance of this variant is uncertain due to the absence of conclusive functional and genetic evidence.

Ambry Genetics
Classification: Uncertain significance for Inborn genetic diseases. Last evaluated: 2025-05-15. Review status: criteria provided, single submitter. Criteria: Ambry Variant Classification Scheme 2023. Collection method: clinical testing. Allele origin: germline.

Labcorp Genetics (formerly Invitae), Labcorp
Classification: Uncertain significance. Last evaluated: 2022-05-21. Review status: criteria provided, single submitter. Criteria: Invitae Variant Classification Sherloc (09022015). Collection method: clinical testing. Allele origin: germline.
Comment: This sequence change replaces valine, which is neutral and non-polar, with leucine, which is neutral and non-polar, at codon 312 of the S1PR2 protein (p.Val312Leu). This variant is present in population databases (rs750507202, gnomAD 0.02%). This variant has not been reported in the literature in individuals affected with S1PR2-related conditions. ClinVar contains an entry for this variant (Variation ID: 1301247). Algorithms developed to predict the effect of missense changes on protein structure and function (SIFT, PolyPhen-2, Align-GVGD) all suggest that this variant is likely to be tolerated. In summary, the available evidence is currently insufficient to determine the role of this variant in disease. Therefore, it has been classified as a Variant of Uncertain Significance.

NM_004230.4(S1PR2):c.934G>C (p.Val312Leu)

Gene: S1PR2 (sphingosine-1-phosphate receptor 2; minus strand). Cytogenetic location: 19p13.2.
Variant type: single nucleotide variant.
Coding change: c.934G>C on transcript NM_004230.4 (MANE Select); coding-DNA position 934, G replaced by C.
Protein change: p.Val312Leu; replaces valine 312 with leucine.
Molecular consequence: missense variant.
Genome position (GRCh38, 1-based): chr19:10,223,972, C>G on the plus strand (G>C on the coding strand, the complement: S1PR2 is on the minus strand). VCF-style: chr19-10223972-C-G. GRCh37 (hg19) VCF-style: chr19-10334648-C-G.
Other names: short protein forms V312L.
Identifiers: ClinVar variation 1301247 (VCV001301247.9), dbSNP rs750507202, ClinGen allele CA9188976.
Genomic context (GRCh38, chr19:10,223,972, plus strand): 5'-TGGAGCTGCGGAGTGGCAGGAGGTGGTGGCCCGGGGTCCCGCCCCGCCTCCGTCCTTGCA[C>G]CCCCACCCCCGGCCTCCAGCACTGCAGCGGCCGAAGCACCTCCCGCCGCAGGTCCCGGCT-3'
Protein context (NP_004221.3, residues 302-322): PLQCWRPGVG[Val312Leu]QGRRRGGTPG